The following is an entry in ClinVar:

NM_012193.4(FZD4):c.511C>T (p.His171Tyr)

Genes: FZD4 (frizzled class receptor 4; minus strand), PRSS23 (serine protease 23; plus strand). Cytogenetic location: 11q14.2.
Variant type: single nucleotide variant.
Coding change: c.511C>T on transcript NM_012193.4 (MANE Select); coding-DNA position 511, C replaced by T.
Protein change: p.His171Tyr; replaces histidine 171 with tyrosine.
Molecular consequence: missense variant. On other transcripts: non-coding transcript variant (2).
Genome position (GRCh38, 1-based): chr11:86,952,245, G>A on the plus strand (C>T on the coding strand, the complement: FZD4 is on the minus strand). VCF-style: chr11-86952245-G-A. GRCh37 (hg19) VCF-style: chr11-86663287-G-A.
Other names: short protein forms H171Y.
Identifiers: ClinVar variation 937169 (VCV000937169.9), dbSNP rs1486995782, ClinGen allele CA382015864.

ClinVar aggregate classification (germline): Uncertain significance (1 of 4 stars; one submission).

Allele frequency attached by ClinVar (database versions not stated): gnomAD exomes below 0.00001; TOPMed below 0.00001; gnomAD 0.00001.
gnomAD v4.1: 3 of 1,614,094 alleles (0.00019%); highest among the groups gnomAD compares: Admixed American, 0.0017%; no homozygotes.

Submission:

Labcorp Genetics (formerly Invitae), Labcorp
Classification: Uncertain significance. Last evaluated: 2022-03-10. Review status: criteria provided, single submitter. Criteria: Invitae Variant Classification Sherloc (09022015). Collection method: clinical testing. Allele origin: germline.
Comment: In summary, the available evidence is currently insufficient to determine the role of this variant in disease. Therefore, it has been classified as a Variant of Uncertain Significance. Algorithms developed to predict the effect of missense changes on protein structure and function (SIFT, PolyPhen-2, Align-GVGD) all suggest that this variant is likely to be tolerated. ClinVar contains an entry for this variant (Variation ID: 937169). This variant has not been reported in the literature in individuals affected with FZD4-related conditions. This variant is present in population databases (no rsID available, gnomAD 0.003%). This sequence change replaces histidine, which is basic and polar, with tyrosine, which is neutral and polar, at codon 171 of the FZD4 protein (p.His171Tyr).